The following is an entry in ClinVar:

NM_177438.3(DICER1):c.5374T>C (p.Ser1792Pro)

Gene: DICER1 (dicer 1, ribonuclease III; minus strand). Cytogenetic location: 14q32.13.
Variant type: single nucleotide variant.
Coding change: c.5374T>C on transcript NM_177438.3 (MANE Select); coding-DNA position 5374, T replaced by C.
Protein change: p.Ser1792Pro; replaces serine 1792 with proline.
Molecular consequence: missense variant. On other transcripts: intron variant (1).
Genome position (GRCh38, 1-based): chr14:95,091,356, A>G on the plus strand (T>C on the coding strand, the complement: DICER1 is on the minus strand). VCF-style: chr14-95091356-A-G. GRCh37 (hg19) VCF-style: chr14-95557693-A-G.
Other names: c.5374T>C, p.Ser1792Pro (NM_001271282.3, NM_001291628.2, NM_030621.4); c.5365-247T>C (NM_001195573.1); short protein forms S1792P.
Identifiers: ClinVar variation 412168 (VCV000412168.11), dbSNP rs1060503651, ClinGen allele CA16614593.
Genomic context (GRCh38, chr14:95,091,356, plus strand): 5'-AAATATCCCCCATGGCCTTTGGAACTTCAATATCCTCTTCTTTCTCTTCATCCTCCTCAG[A>G]TCTCCTAAGCTATTACAGAGGGAAAAGTGACTTGTAAGCAAAAAGGCCACTTTTACAGGC-3'
Protein context (NP_803187.1, residues 1782-1802): MQGMDSELRR[Ser1792Pro]EEDEEKEEDI

ClinVar aggregate classification (germline): Uncertain significance. Review status: criteria provided, multiple submitters, no conflicts (2 of 4 stars). 2 submissions from 2 submitters: Uncertain significance (2). Last evaluated 2026-02-13.

Conditions:
Pleuropulmonary blastoma (PPB). Identifiers: Orphanet 64742, MedGen C1266144, MONDO:0011014, OMIM 601200, HP:0100528.
DICER1-related tumor predisposition. Also called: DICER1-related pleuropulmonary blastoma cancer predisposition syndrome; DICER1 syndrome. Identifiers: Orphanet 284343, MedGen C3839822, MONDO:0100216.

Submissions (2):

OLLIN Analises Genomicas, OLLIN
Classification: Uncertain significance for Pleuropulmonary blastoma. Last evaluated: 2026-02-13. Review status: criteria provided, single submitter. Criteria: ACMG Guidelines 2015 PMID 25741868. Collection method: clinical testing. Allele origin: germline. Observed: 1 variant allele.
Comment: PM1_P, PM2_P, BP4

Labcorp Genetics (formerly Invitae), Labcorp
Classification: Uncertain significance for DICER1-related tumor predisposition. Last evaluated: 2024-02-01. Review status: criteria provided, single submitter. Criteria: Invitae Variant Classification Sherloc (09022015). Collection method: clinical testing. Allele origin: germline.
Comment: This sequence change replaces serine, which is neutral and polar, with proline, which is neutral and non-polar, at codon 1792 of the DICER1 protein (p.Ser1792Pro). This variant is not present in population databases (gnomAD no frequency). This variant has not been reported in the literature in individuals affected with DICER1-related conditions. ClinVar contains an entry for this variant (Variation ID: 412168). An algorithm developed to predict the effect of missense changes on protein structure and function (PolyPhen-2) suggests that this variant is likely to be disruptive. In summary, the available evidence is currently insufficient to determine the role of this variant in disease. Therefore, it has been classified as a Variant of Uncertain Significance.